The following is an entry in ClinVar:

NM_173651.4(FSIP2):c.2223A>G (p.Glu741=)

Genes: FSIP2 (fibrous sheath interacting protein 2; plus strand), FSIP2-AS1 (FSIP2 antisense RNA 1; minus strand). Cytogenetic location: 2q32.1.
Variant type: single nucleotide variant.
Coding change: c.2223A>G on transcript NM_173651.4 (MANE Select); coding-DNA position 2223, A replaced by G.
Protein change: p.Glu741=; no amino-acid change (glutamic acid 741 retained).
Molecular consequence: synonymous variant.
Genome position (GRCh38, 1-based): chr2:185,789,359, A>G. VCF-style: chr2-185789359-A-G. GRCh37 (hg19) VCF-style: chr2-186654086-A-G.
Identifiers: ClinVar variation 3388956 (VCV003388956.14).

ClinVar aggregate classification (germline): Likely benign (1 of 4 stars; one submission).

gnomAD v4.1: 64 of 1,535,066 alleles (0.0042%); highest among the groups gnomAD compares: Middle Eastern, 0.067%; 1 homozygote.

Submission:

CeGaT Center for Human Genetics Tuebingen
Classification: Likely benign. Last evaluated: 2024-10-01. Review status: criteria provided, single submitter. Criteria: CeGaT Center For Human Genetics Tuebingen Variant Classification Criteria Version 2. Collection method: clinical testing. Allele origin: germline. Affected: yes. Observed: 1 variant allele.
Comment: FSIP2: BP4, BP7